The following is an entry in ClinVar:

NM_007294.4(BRCA1):c.81-1G>T

Gene: BRCA1 (BRCA1 DNA repair associated; minus strand). Cytogenetic location: 17q21.31.
Variant type: single nucleotide variant.
Coding change: c.81-1G>T on transcript NM_007294.4 (MANE Select); the canonical splice acceptor site of the intron before coding-DNA position 81, G replaced by T.
Molecular consequence: splice acceptor variant. On other transcripts: intron variant (41).
Genome position (GRCh38, 1-based): chr17:43,115,780, C>A on the plus strand (G>T on the coding strand, the complement: BRCA1 is on the minus strand). VCF-style: chr17-43115780-C-A. GRCh37 (hg19) VCF-style: chr17-41267797-C-A.
Other names: c.81-1G>T (NM_001407672.1, NM_001408398.1, NM_001407992.1 and 191 more transcripts); c.-108-1G>T (NM_001407917.1, NM_001407956.1, NM_001407897.1 and 52 more transcripts); c.-61-1G>T (NM_001408462.1, NM_001407697.1, NM_001407838.1 and 47 more transcripts); c.-55+8237G>T (NM_001407902.1, NM_001407898.1, NM_001407881.1); c.-177-1G>T (NM_001407724.1, NM_001407746.1, NM_001408468.1 and 13 more transcripts); c.-219+9497G>T (NM_001407967.1); c.-170+9497G>T (NM_001407959.1); c.-7-9247G>T (NM_001407931.1, NM_001407747.1, NM_001408511.1 and 2 more transcripts); and 10 more.
Identifiers: ClinVar variation 867461 (VCV000867461.8), dbSNP rs80358018, ClinGen allele CA10601992.

ClinVar aggregate classification (germline): Pathogenic. Review status: criteria provided, multiple submitters, no conflicts (2 of 4 stars). 2 submissions from 2 submitters: Pathogenic (2). Last evaluated 2024-11-12.

Conditions:
Hereditary breast ovarian cancer syndrome. Also called: Hereditary breast and/or ovarian cancer syndrome; BRCA1- and BRCA2-Associated Hereditary Breast and Ovarian Cancer; Hereditary breast and ovarian cancer syndrome; Hereditary breast and ovarian cancer; Hereditary breast and ovarian cancer syndrome (HBOC); Breast and ovarian cancer. Identifiers: Orphanet 145, MedGen C0677776, MeSH D061325, MONDO:0003582. Disease mechanism: loss of function.
Hereditary cancer-predisposing syndrome. Also called: Tumor predisposition; Hereditary Cancer Syndrome; Hereditary neoplastic syndrome; Neoplastic Syndromes, Hereditary. Identifiers: Orphanet 140162, MedGen C0027672, MeSH D009386, MONDO:0015356.

Submissions (3):

Ambry Genetics
Classification: Pathogenic for Hereditary cancer-predisposing syndrome. Last evaluated: 2024-11-12. Review status: criteria provided, single submitter. Criteria: Ambry Variant Classification Scheme 2023. Collection method: clinical testing. Allele origin: germline.
Comment: The c.81-1G>T intronic pathogenic mutation results from a G to T substitution one nucleotide upstream from coding exon 2 of the BRCA1 gene. One functional study found that this nucleotide substitution is non-functional in a high-throughput, genome editing, haploid cell survival assay (Findlay GM et al. Nature, 2018 10;562:217-222). In silico splice site analysis predicts that this alteration will weaken the native splice acceptor site and may result in the creation or strengthening of a novel splice acceptor site. Alterations that disrupt the canonical splice site are expected to cause aberrant splicing, resulting in an abnormal protein or a transcript that is subject to nonsense-mediated mRNA decay. Based on the supporting evidence, this alteration is interpreted as a disease-causing mutation.

Labcorp Genetics (formerly Invitae), Labcorp
Classification: Pathogenic for Hereditary breast ovarian cancer syndrome. Last evaluated: 2024-03-14. Review status: criteria provided, single submitter. Criteria: Invitae Variant Classification Sherloc (09022015). Collection method: clinical testing. Allele origin: germline.
Comment: This sequence change affects an acceptor splice site in intron 2 of the BRCA1 gene. It is expected to disrupt RNA splicing. Variants that disrupt the donor or acceptor splice site typically lead to a loss of protein function (PMID: 16199547), and loss-of-function variants in BRCA1 are known to be pathogenic (PMID: 20104584). This variant is not present in population databases (gnomAD no frequency). Disruption of this splice site has been observed in individual(s) with breast cancer and/or ovarian cancer (PMID: 16287141, 21120943, 22711857, 29446198, 30078507). ClinVar contains an entry for this variant (Variation ID: 867461). Studies have shown that disruption of this splice site alters mRNA splicing and is expected to lead to the loss of protein expression (PMID: 22505045). For these reasons, this variant has been classified as Pathogenic.

Brotman Baty Institute, University of Washington
No classification provided (evidence only). Condition: Breast-ovarian cancer, familial 1. Review status: no classification provided. Collection method: in vitro. Allele origin: not applicable. Functional consequence: functionally_abnormal. Not counted in ClinVar's aggregate classification.
ClinVar note: "not provided" was previously submitted as the classification for the variant. However, the classification appeared to be based only on an observation of functional data so it was converted to no classification on 2025-07-30.

Literature cited by the submitters: PubMed 30209399 (cited by Ambry Genetics); PubMed 16199547 (cited by Labcorp Genetics (formerly Invitae), Labcorp); PubMed 20104584 (cited by Labcorp Genetics (formerly Invitae), Labcorp); PubMed 16287141 (cited by Labcorp Genetics (formerly Invitae), Labcorp); PubMed 21120943 (cited by Labcorp Genetics (formerly Invitae), Labcorp); PubMed 22711857 (cited by Labcorp Genetics (formerly Invitae), Labcorp); PubMed 29446198 (cited by Labcorp Genetics (formerly Invitae), Labcorp); PubMed 30078507 (cited by Labcorp Genetics (formerly Invitae), Labcorp); PubMed 22505045 (cited by Labcorp Genetics (formerly Invitae), Labcorp).